The following is an entry in ClinVar:

NM_005652.5(TERF2):c.*98del

Gene: TERF2 (telomeric repeat binding factor 2; minus strand). Cytogenetic location: 16q22.1.
Variant type: Deletion.
Coding change: c.*98del on transcript NM_005652.5 (MANE Select); 98 bases downstream of the stop codon, one base deleted (T; older notation c.*98delT).
Molecular consequence: 3 prime UTR variant.
Genome position (GRCh38, 1-based): chr16:69,356,800, A deleted on the plus strand (T on the coding strand, the reverse complement: TERF2 is on the minus strand); the first of 16 consecutive A bases (chr16:69,356,800-69,356,815); deleting any one gives the same sequence. VCF-style (leftmost placement, unchanged base first): chr16-69356799-CA-C. GRCh37 (hg19) VCF-style: chr16-69390702-CA-C.
Identifiers: ClinVar variation 4795419 (VCV004795419.1).

ClinVar aggregate classification (germline): Likely benign (1 of 4 stars; one submission).

Submission:

GeneDx
Classification: Likely benign. Last evaluated: 2019-08-15. Review status: criteria provided, single submitter. Criteria: GeneDx Variant Classification Process June 2021. Collection method: clinical testing. Allele origin: germline. Affected: yes.
Comment: See Variant Classification Assertion Criteria.